The following is an entry in ClinVar:

ClinVar aggregate classification (germline): Pathogenic/Likely pathogenic. Review status: criteria provided, multiple submitters, no conflicts (2 of 4 stars). 5 submissions from 5 submitters: Pathogenic (2); Likely pathogenic (3). Last evaluated 2024-08-05.

Conditions:
Hereditary cancer-predisposing syndrome. Also called: Tumor predisposition; Neoplastic Syndromes, Hereditary; Hereditary Cancer Syndrome; Hereditary neoplastic syndrome. Identifiers: Orphanet 140162, MedGen C0027672, MeSH D009386, MONDO:0015356.
Microcephaly, normal intelligence and immunodeficiency (NBS). Also called: BERLIN BREAKAGE SYNDROME; Ataxia telangiectasia variant V1; IMMUNODEFICIENCY, MICROCEPHALY, AND CHROMOSOMAL INSTABILITY; SEEMANOVA SYNDROME II; Immunodeficiency, microcephaly with normal intelligence; Nijmegen breakage syndrome. Identifiers: Orphanet 647, MedGen C0398791, MONDO:0009623, OMIM 251260.
Aplastic anemia. Identifiers: Orphanet 182040, Orphanet 88, MedGen C0002874, MONDO:0015909, OMIM 609135, HP:0001915.
Acute lymphoid leukemia (ALL). Also called: Lymphoblastic leukemia; Leukemia, acute lymphoblastic, somatic; Acute lymphoblastic leukemia; Acute lymphocytic leukemia. Identifiers: Orphanet 513, MedGen C0023449, MONDO:0004967, OMIM 613065, HP:0006721.

Allele frequency attached by ClinVar (database versions not stated): gnomAD exomes 0.00001; ExAC 0.00002.
gnomAD v4.1: 4 of 1,613,162 alleles (0.00025%); highest among the groups gnomAD compares: South Asian, 0.0044%; no homozygotes.

Submissions (5):

Natera, Inc.
Classification: Likely pathogenic for Nijmegen breakage syndrome. Last evaluated: 2024-08-05. Review status: criteria provided, single submitter. Criteria: Natera Variant Classification Schema (03/2026). Collection method: clinical testing. Allele origin: germline.
Comment: The c.7A>T variant in NBN is a nonsense variant predicted to introduce a stop codon at amino acid 3. This variant is expected to result in nonsense mediated decay, truncation, or a dysfunctional protein product. This variant is rare in the general population with a frequency below the threshold expected for the associated phenotype(s). Given the available evidence, this variant is classified as Likely Pathogenic.

Fulgent Genetics
Classification: Likely pathogenic for Microcephaly, normal intelligence and immunodeficiency; Aplastic anemia; Acute lymphoid leukemia. Last evaluated: 2024-06-12. Review status: criteria provided, single submitter. Criteria: ACMG Guidelines, 2015. Collection method: clinical testing. Allele origin: germline.

Labcorp Genetics (formerly Invitae), Labcorp
Classification: Pathogenic for Microcephaly, normal intelligence and immunodeficiency. Last evaluated: 2022-05-19. Review status: criteria provided, single submitter. Criteria: Invitae Variant Classification Sherloc (09022015). Collection method: clinical testing. Allele origin: germline.
Comment: This variant has not been reported in the literature in individuals affected with NBN-related conditions. For these reasons, this variant has been classified as Pathogenic. Algorithms developed to predict the effect of sequence changes on RNA splicing suggest that this variant may create or strengthen a splice site. ClinVar contains an entry for this variant (Variation ID: 492131). This variant is present in population databases (rs779098734, gnomAD 0.01%). This sequence change creates a premature translational stop signal (p.Lys3*) in the NBN gene. It is expected to result in an absent or disrupted protein product. Loss-of-function variants in NBN are known to be pathogenic (PMID: 9590180, 16415040).

Ambry Genetics
Classification: Likely pathogenic for Hereditary cancer-predisposing syndrome. Last evaluated: 2022-03-01. Review status: criteria provided, single submitter. Criteria: Ambry Variant Classification Scheme 2023. Collection method: clinical testing. Allele origin: germline.
Comment: The p.K3* variant (also known as c.7A>T), located in coding exon 1 of the NBN gene, results from an A to T substitution at nucleotide position 7. This changes the amino acid from a lysine to a stop codon within coding exon 1. The predicted stop codon occurs in the 5&rsquo; end of theNBN gene. Premature termination codons in the 5&rsquo; end of a gene have been reported to escape nonsense-mediated mRNAdecay and/or lead to re-initiation (Rivas et al. Science. 2015 May 8;348(6235):666-9; Lindeboom et al. Nat Genet. 2016 Oct;48(10):1112-8; Rhee et al. Sci Rep. 2017 May 10;7(1):1653). Direct evidence for this alteration is unavailable, however premature termination codons are typically deleterious in nature. Based on the majority of available evidence to date, this variant is likely to be pathogenic.

Genome-Nilou Lab
Classification: Pathogenic for Microcephaly, normal intelligence and immunodeficiency. Last evaluated: 2021-11-07. Review status: criteria provided, single submitter. Criteria: ACMG Guidelines, 2015. Collection method: clinical testing. Allele origin: germline. Affected: no.

Literature cited by the submitters: PubMed 9590180 (cited by Labcorp Genetics (formerly Invitae), Labcorp); PubMed 16415040 (cited by Labcorp Genetics (formerly Invitae), Labcorp).

NM_002485.5(NBN):c.7A>T (p.Lys3Ter)

Gene: NBN (nibrin; minus strand). Cytogenetic location: 8q21.3.
Variant type: single nucleotide variant.
Coding change: c.7A>T on transcript NM_002485.5 (MANE Select); coding-DNA position 7, A replaced by T.
Protein change: p.Lys3Ter; replaces lysine 3 with a stop codon.
Molecular consequence: nonsense. On other transcripts: 5 prime UTR variant (1).
Genome position (GRCh38, 1-based): chr8:89,984,555, T>A on the plus strand (A>T on the coding strand, the complement: NBN is on the minus strand). VCF-style: chr8-89984555-T-A. GRCh37 (hg19) VCF-style: chr8-90996783-T-A.
Other names: c.-290A>T (NM_001024688.3); short protein forms K3*.
Identifiers: ClinVar variation 492131 (VCV000492131.17), dbSNP rs779098734, ClinGen allele CA4803108.